The following is an entry in ClinVar:

NM_015166.4(MLC1):c.594_597del (p.Ser197_Tyr198insTer)

Gene: MLC1 (modulator of VRAC current 1; minus strand). Cytogenetic location: 22q13.33.
Variant type: Deletion.
Coding change: c.594_597del on transcript NM_015166.4 (MANE Select); coding-DNA positions 594 to 597, 4 bases deleted (CTCA; older notation c.594_597delCTCA).
Protein change: p.Ser197_Tyr198insTer.
Molecular consequence: nonsense. On other transcripts: non-coding transcript variant (3).
Genome position (GRCh38, 1-based): chr22:50,076,841-50,076,844, TGAG deleted on the plus strand (CTCA on the coding strand, the reverse complement: MLC1 is on the minus strand); deleting any 4 consecutive bases within chr22:50,076,841-50,076,845 gives the same sequence; the c. name uses the placement nearest the transcript's 3' end. VCF-style (leftmost placement, unchanged base first): chr22-50076840-CTGAG-C. GRCh37 (hg19) VCF-style: chr22-50515269-CTGAG-C.
Other names: Y198*; c.594_597del, p.Ser197_Tyr198insTer (NM_001376472.1, NM_001376473.1, NM_001376474.1 and 6 more transcripts); c.504_507del, p.Ser167_Tyr168insTer (NM_001376480.1); c.492_495del, p.Ser163_Tyr164insTer (NM_001376481.1); c.438_441del, p.Ser145_Tyr146insTer (NM_001376482.1, NM_001376483.1); c.357_360del, p.Ser118_Tyr119insTer (NM_001376484.1); c.593_596delACTC (NM_015166.3).
Identifiers: ClinVar variation 4720 (VCV000004720.22), dbSNP rs267607236, ClinGen allele CA253254.

ClinVar aggregate classification (germline): Pathogenic. Review status: criteria provided, multiple submitters, no conflicts (2 of 4 stars). 8 submissions from 8 submitters: Pathogenic (6). 2 of the submissions do not count toward it. Last evaluated 2026-01-01.

Conditions:
MLC1-related disorder. Also called: MLC1-related condition.
Megalencephalic leukoencephalopathy with subcortical cysts. Also called: VAN DER KNAAP DISEASE. Identifiers: Orphanet 2478, MedGen C1858854, MONDO:0011391.
Megalencephalic leukoencephalopathy with subcortical cysts 1 (MLC1). Also called: LEUKOENCEPHALOPATHY WITH SWELLING AND CYSTS; VACUOLATING MEGALENCEPHALIC LEUKOENCEPHALOPATHY WITH SUBCORTICAL CYSTS. Identifiers: Orphanet 2478, MedGen C5779875, MONDO:0024555, OMIM 604004.

Submissions (8):

CeGaT Center for Human Genetics Tuebingen
Classification: Pathogenic. Last evaluated: 2026-01-01. Review status: criteria provided, single submitter. Criteria: CeGaT Center For Human Genetics Tuebingen Variant Classification Criteria Version 2. Collection method: clinical testing. Allele origin: germline. Affected: yes. Observed: 2 variant alleles.
Comment: MLC1: PVS1, PM2, PM3

Natera, Inc.
Classification: Pathogenic for Megalencephalic leukoencephalopathy with subcortical cysts. Last evaluated: 2025-10-26. Review status: criteria provided, single submitter. Criteria: Natera Variant Classification Schema (03/2026). Collection method: clinical testing. Allele origin: germline.
Comment: The c.594_597delCTCA variant in MLC1 is a frameshift variant predicted to shift the reading frame and introduce a stop codon. This variant is expected to result in nonsense mediated decay, truncation, or a dysfunctional protein product. This variant is rare in the general population with a frequency below the threshold expected for the associated phenotype(s). This variant has been observed in one or more individuals affected with the associated recessive disease, as either homozygous or compound heterozygous with a second variant (PMID: 21555057, 27322623). Given the available evidence, this variant is classified as Pathogenic.

Labcorp Genetics (formerly Invitae), Labcorp
Classification: Pathogenic. Last evaluated: 2025-07-21. Review status: criteria provided, single submitter. Criteria: Invitae Variant Classification Sherloc (09022015). Collection method: clinical testing. Allele origin: germline.
Comment: This sequence change creates a premature translational stop signal (p.Tyr198*) in the MLC1 gene. It is expected to result in an absent or disrupted protein product. Loss-of-function variants in MLC1 are known to be pathogenic (PMID: 11254442, 16470554, 24824219). The frequency data for this variant in the population databases is considered unreliable, as metrics indicate poor data quality at this position in the gnomAD database. This premature translational stop signal has been observed in individuals with megalencephalic leukoencephalopathy (PMID: 11254442, 11935341, 21555057). ClinVar contains an entry for this variant (Variation ID: 4720). Algorithms developed to predict the effect of sequence changes on RNA splicing suggest that this variant may disrupt the consensus splice site. For these reasons, this variant has been classified as Pathogenic.

Blueprint Genetics
Classification: Pathogenic for MLC1-related disorders. Last evaluated: 2024-05-10. Review status: criteria provided, single submitter. Criteria: ACMG Guidelines, 2015. Collection method: clinical testing. Allele origin: germline. Affected: yes. Observed: 2 variant alleles.

Fulgent Genetics
Classification: Pathogenic for Megalencephalic leukoencephalopathy with subcortical cysts 1. Last evaluated: 2022-01-30. Review status: criteria provided, single submitter. Criteria: ACMG Guidelines, 2015. Collection method: clinical testing. Allele origin: unknown.

Molecular Diagnostics Lab, Nemours Children's Health, Delaware
Classification: Pathogenic for Megalencephalic leukoencephalopathy with subcortical cysts 1. Last evaluated: 2021-02-09. Review status: criteria provided, single submitter. Criteria: ACMG Guidelines, 2015. Collection method: clinical testing. Allele origin: paternal, maternal, unknown. Inheritance: Autosomal recessive inheritance. Affected: yes and no. Observed: 1 heterozygote, 2 compound heterozygotes.
Comment: This variant (c.593_596del, p.Tyr198*) predicts a deletion resulting in a stop codon at tyrosine 198. It has been observed at very low frequency in population databases (gnomAD) and has been described in the literature (PMID 11254442).

OMIM
Classification: Pathogenic for MEGALENCEPHALIC LEUKOENCEPHALOPATHY WITH SUBCORTICAL CYSTS 1. Last evaluated: 2002-03-01. Review status: no assertion criteria provided. Collection method: literature only. Allele origin: germline. Not counted in ClinVar's aggregate classification.

Myelin Disorders Clinic-Children's Medical Center/Medical Genetics Lab-Tarbiat Modares University, Children's Medical Center, Pediatrics Center of Excellence,
Classification: Likely pathogenic for Megalencephalic leukoencephalopathy with subcortical cysts 1. Review status: no assertion criteria provided. Collection method: clinical testing. Allele origin: inherited. Inheritance: Autosomal recessive inheritance. Affected: yes. Not counted in ClinVar's aggregate classification.

Literature cited by the submitters: PubMed 21555057 (cited by Natera, Inc. and Labcorp Genetics (formerly Invitae), Labcorp); PubMed 27322623 (cited by Natera, Inc.); PubMed 11254442 (cited by 3 submitters); PubMed 16470554 (cited by Labcorp Genetics (formerly Invitae), Labcorp); PubMed 24824219 (cited by Labcorp Genetics (formerly Invitae), Labcorp); PubMed 11935341 (cited by Labcorp Genetics (formerly Invitae), Labcorp and OMIM).